The following is an entry in ClinVar:

ClinVar aggregate classification (germline): Uncertain significance (1 of 4 stars; one submission).

Conditions:
Emery-Dreifuss muscular dystrophy 5, autosomal dominant (EDMD5). Also called: EMERY-DREIFUSS MUSCULAR DYSTROPHY 5. Identifiers: Orphanet 261, MedGen C2751805, MONDO:0013072, OMIM 612999.

Submission:

Labcorp Genetics (formerly Invitae), Labcorp
Classification: Uncertain significance for Emery-Dreifuss muscular dystrophy 5, autosomal dominant. Last evaluated: 2022-08-23. Review status: criteria provided, single submitter. Criteria: Invitae Variant Classification Sherloc (09022015). Collection method: clinical testing. Allele origin: germline.
Comment: This sequence change creates a premature translational stop signal (p.Asn6575Phefs*7) in the SYNE2 gene. It is expected to result in an absent or disrupted protein product. However, the current clinical and genetic evidence is not sufficient to establish whether loss-of-function variants in SYNE2 cause disease. This variant is not present in population databases (gnomAD no frequency). This variant has not been reported in the literature in individuals affected with SYNE2-related conditions. ClinVar contains an entry for this variant (Variation ID: 1351934). In summary, the available evidence is currently insufficient to determine the role of this variant in disease. Therefore, it has been classified as a Variant of Uncertain Significance.

NM_182914.3(SYNE2):c.19723_19724del (p.Asn6575fs)

Gene: SYNE2 (spectrin repeat containing nuclear envelope protein 2; plus strand). Cytogenetic location: 14q23.2.
Variant type: Deletion.
Coding change: c.19723_19724del on transcript NM_182914.3 (MANE Select); coding-DNA positions 19723 to 19724, 2 bases deleted (AA; older notation c.19723_19724delAA).
Protein change: p.Asn6575fs; shifts the reading frame from asparagine 6575.
Molecular consequence: frameshift variant.
Genome position (GRCh38, 1-based): chr14:64,219,273-64,219,274, AA deleted; deleting any 2 consecutive bases within chr14:64,219,271-64,219,274 gives the same sequence; the c. name uses the placement nearest the transcript's 3' end. VCF-style (leftmost placement, unchanged base first): chr14-64219270-CAA-C. GRCh37 (hg19) VCF-style: chr14-64685988-CAA-C.
Other names: c.19654_19655del, p.Asn6552fs (NM_015180.6); c.247_248del, p.Asn83fs (NM_182910.2); c.625_626del, p.Asn209fs (NM_182913.4); short protein forms N209fs, N6575fs, N6552fs, N83fs.
Identifiers: ClinVar variation 1351934 (VCV001351934.6), dbSNP rs2140352990, ClinGen allele CA2573150029.